The following is an entry in ClinVar:

NM_007294.4(BRCA1):c.1521_1531del (p.Thr509fs)

Gene: BRCA1 (BRCA1 DNA repair associated; minus strand). Cytogenetic location: 17q21.31.
Variant type: Deletion.
Coding change: c.1521_1531del on transcript NM_007294.4 (MANE Select); coding-DNA positions 1521 to 1531, 11 bases deleted (ACCTACATCAG).
Protein change: p.Thr509fs; shifts the reading frame from threonine 509.
Molecular consequence: frameshift variant. On other transcripts: intron variant (137).
Genome position (GRCh38, 1-based): chr17:43,094,000-43,094,010, CTGATGTAGGT deleted on the plus strand (ACCTACATCAG on the coding strand, the reverse complement: BRCA1 is on the minus strand); deleting any 11 consecutive bases within chr17:43,094,000-43,094,012 gives the same sequence; the c. name uses the placement nearest the transcript's 3' end. VCF-style (leftmost placement, unchanged base first): chr17-43093999-CCTGATGTAGGT-C. GRCh37 (hg19) VCF-style: chr17-41246016-CCTGATGTAGGT-C.
Other names: c.1521_1531delACCTACATCAG (NM_007294.3); c.1188_1198del, p.Thr398fs (NM_001407951.1, NM_001407952.1, NM_001407953.1 and 6 more transcripts); c.1185_1195del, p.Thr397fs (NM_001407954.1, NM_001407955.1, NM_001407956.1 and 1 more transcripts); c.633_643del, p.Thr213fs (NM_001407967.1, NM_001407966.1); c.1380_1390del, p.Thr462fs (NM_007297.4, NM_001407692.1, NM_001407694.1 and 29 more transcripts); c.1521_1531del, p.Thr509fs (NM_007300.4, NM_001407581.1, NM_001407582.1 and 30 more transcripts); c.646+734_646+744del (NM_001408458.1, NM_001408469.1, NM_001408453.1 and 11 more transcripts); c.283+734_283+744del (NM_001408512.1); and 41 more; short protein forms T462fs, T509fs, T382fs, T421fs, T438fs, T439fs, T461fs, T508fs.
Identifiers: ClinVar variation 548314 (VCV000548314.17), dbSNP rs1555591596, ClinGen allele CA658824520.

ClinVar aggregate classification (germline): Pathogenic. Review status: reviewed by expert panel (3 of 4 stars). 3 submissions from 3 submitters: Pathogenic (1). 2 of the submissions do not count toward it. Last evaluated 2017-12-15.

Conditions:
Breast-ovarian cancer, familial, susceptibility to, 1 (BROVCA1). Also called: BRCA1 Hereditary Breast and Ovarian Cancer; OVARIAN CANCER, SUSCEPTIBILITY TO. Identifiers: Orphanet 145, MedGen C2676676, MONDO:0011450, OMIM 604370. Disease mechanism: loss of function.
Hereditary cancer-predisposing syndrome. Also called: Tumor predisposition; Neoplastic Syndromes, Hereditary; Hereditary Cancer Syndrome; Hereditary neoplastic syndrome. Identifiers: Orphanet 140162, MedGen C0027672, MeSH D009386, MONDO:0015356.
Hereditary breast ovarian cancer syndrome. Also called: Hereditary breast and ovarian cancer; Hereditary breast and ovarian cancer syndrome; Hereditary breast and ovarian cancer syndrome (HBOC); Breast and ovarian cancer; BRCA1- and BRCA2-Associated Hereditary Breast and Ovarian Cancer; Hereditary breast and/or ovarian cancer syndrome. Identifiers: Orphanet 145, MedGen C0677776, MeSH D061325, MONDO:0003582. Disease mechanism: loss of function.

Submissions (3):

Evidence-based Network for the Interpretation of Germline Mutant Alleles (ENIGMA)
Classification: Pathogenic for Breast-ovarian cancer, familial, susceptibility to, 1. Last evaluated: 2017-12-15. Review status: reviewed by expert panel. Criteria: ENIGMA BRCA1/2 Classification Criteria (2017-06-29). Collection method: curation. Allele origin: germline. Study: ENIGMA.
Comment: Variant allele predicted to encode a truncated non-functional protein.

Color Diagnostics, LLC DBA Color Health
Classification: Pathogenic for Hereditary cancer-predisposing syndrome. Last evaluated: 2023-07-17. Review status: criteria provided, single submitter. Criteria: ACMG Guidelines, 2015. Collection method: clinical testing. Allele origin: germline. Not counted in ClinVar's aggregate classification.
Comment: This variant deletes 11 nucleotides in exon 10 of the BRCA1 gene, creating a frameshift and premature translation stop signal. This variant is expected to result in an absent or non-functional protein product. This variant has been reported in suspected hereditary breast and ovarian cancer families (PMID: 31209999). This variant has not been identified in the general population by the Genome Aggregation Database (gnomAD). Loss of BRCA1 function is a known mechanism of disease. Based on the available evidence, this variant is classified as Pathogenic.

Labcorp Genetics (formerly Invitae), Labcorp
Classification: Pathogenic for Hereditary breast ovarian cancer syndrome. Last evaluated: 2021-02-12. Review status: criteria provided, single submitter. Criteria: Invitae Variant Classification Sherloc (09022015). Collection method: clinical testing. Allele origin: germline. Not counted in ClinVar's aggregate classification.
Comment: For these reasons, this variant has been classified as Pathogenic. Loss-of-function variants in BRCA1 are known to be pathogenic (PMID: 20104584). This variant has been reported in individuals in the Leiden Open-source Variation Database (PMID: 21520333). ClinVar contains an entry for this variant (Variation ID: 548314). This variant is not present in population databases (ExAC no frequency). This sequence change creates a premature translational stop signal (p.Thr509Serfs*3) in the BRCA1 gene. It is expected to result in an absent or disrupted protein product.

Literature cited by the submitters: PubMed 31209999 (cited by Color Diagnostics, LLC DBA Color Health); PubMed 20104584 (cited by Labcorp Genetics (formerly Invitae), Labcorp); PubMed 21520333 (cited by Labcorp Genetics (formerly Invitae), Labcorp).